The following is an entry in ClinVar:

NM_052947.4(ALPK2):c.2223G>C (p.Gln741His)

Gene: ALPK2 (alpha kinase 2; minus strand). Cytogenetic location: 18q21.31.
Variant type: single nucleotide variant.
Coding change: c.2223G>C on transcript NM_052947.4 (MANE Select); coding-DNA position 2223, G replaced by C.
Protein change: p.Gln741His; replaces glutamine 741 with histidine.
Molecular consequence: missense variant.
Genome position (GRCh38, 1-based): chr18:58,537,964, C>G on the plus strand (G>C on the coding strand, the complement: ALPK2 is on the minus strand). VCF-style: chr18-58537964-C-G. GRCh37 (hg19) VCF-style: chr18-56205196-C-G.
Other names: short protein forms Q741H.
Identifiers: ClinVar variation 1787965 (VCV001787965.3), dbSNP rs1314334831, ClinGen allele CA402571228.
Genomic context (GRCh38, chr18:58,537,964, plus strand): 5'-GGGGAGATGCCTTGAGAACACACCTGGGGACATAGTCTCATCATTGGCTTCTGAGATGCT[C>G]TGCTCATATTTTAGGTCTTCCCTGAAATTGTCAGGTATGTTGCCATCTCTGTCTTGTTTT-3'
Protein context (NP_443179.3, residues 731-751): DNFREDLKYE[Gln741His]SISEANDETM

ClinVar aggregate classification (germline): Uncertain significance (1 of 4 stars; one submission).

Allele frequency attached by ClinVar (database versions not stated): gnomAD exomes below 0.00001.
gnomAD v4.1: 2 of 1,614,218 alleles (0.00012%); highest among the groups gnomAD compares: Admixed American, 0.0017%; no homozygotes.

Submission:

Ambry Genetics
Classification: Uncertain significance. Last evaluated: 2024-08-31. Review status: criteria provided, single submitter. Criteria: Ambry Variant Classification Scheme 2023. Collection method: clinical testing. Allele origin: germline.
Comment: The p.Q741H variant (also known as c.2223G>C), located in coding exon 4 of the ALPK2 gene, results from a G to C substitution at nucleotide position 2223. The glutamine at codon 741 is replaced by histidine, an amino acid with highly similar properties. This amino acid position is conserved. In addition, this alteration is predicted to be tolerated by in silico analysis. Since supporting evidence is limited at this time, the clinical significance of this alteration remains unclear.